The following is an entry in ClinVar:

NM_000540.3(RYR1):c.5195A>C (p.Glu1732Ala)

Gene: RYR1 (ryanodine receptor 1; plus strand). Cytogenetic location: 19q13.2.
Variant type: single nucleotide variant.
Coding change: c.5195A>C on transcript NM_000540.3 (MANE Select); coding-DNA position 5195, A replaced by C.
Protein change: p.Glu1732Ala; replaces glutamic acid 1732 with alanine.
Molecular consequence: missense variant.
Genome position (GRCh38, 1-based): chr19:38,485,850, A>C. VCF-style: chr19-38485850-A-C. GRCh37 (hg19) VCF-style: chr19-38976490-A-C.
Other names: c.5195A>C, p.Glu1732Ala (NM_001042723.2); short protein forms E1732A.
Identifiers: ClinVar variation 969394 (VCV000969394.9), dbSNP rs1969259923, ClinGen allele CA405654124.

ClinVar aggregate classification (germline): Uncertain significance (1 of 4 stars; one submission).

Conditions:
RYR1-related disorder. Also called: RYR1-related disorders; RYR1-related condition. Identifiers: MedGen CN239331.

Submission:

Labcorp Genetics (formerly Invitae), Labcorp
Classification: Uncertain significance for RYR1-related disorder. Last evaluated: 2019-10-30. Review status: criteria provided, single submitter. Criteria: Invitae Variant Classification Sherloc (09022015). Collection method: clinical testing. Allele origin: germline.
Comment: This sequence change replaces glutamic acid with alanine at codon 1732 of the RYR1 protein (p.Glu1732Ala). The glutamic acid residue is highly conserved and there is a moderate physicochemical difference between glutamic acid and alanine. This variant is not present in population databases (ExAC no frequency). This variant has not been reported in the literature in individuals with RYR1-related conditions. Algorithms developed to predict the effect of missense changes on protein structure and function are either unavailable or do not agree on the potential impact of this missense change (SIFT: "Deleterious"; PolyPhen-2: "Possibly Damaging"; Align-GVGD: "Class C0"). In summary, the available evidence is currently insufficient to determine the role of this variant in disease. Therefore, it has been classified as a Variant of Uncertain Significance.